The following is an entry in ClinVar:

ClinVar aggregate classification (germline): Uncertain significance (1 of 4 stars; one submission).

Conditions:
BEST1-related disorder. Also called: BEST1-related condition; BEST1-related disorders. Identifiers: MedGen CN239200.

gnomAD v4.1: 72 of 1,549,284 alleles (0.0046%); highest among the groups gnomAD compares: Admixed American, 0.047%; no homozygotes.

Submission:

PreventionGenetics, part of Exact Sciences
Classification: Uncertain significance for BEST1-related condition. Last evaluated: 2026-06-20. Review status: criteria provided, single submitter. Criteria: ACMG Guidelines, 2015. Collection method: clinical testing. Allele origin: germline.
Comment: The BEST1 c.997C>T variant is predicted to result in the amino acid substitution p.Arg333Cys. To our knowledge, this variant has not been reported in the literature. This variant is reported in 0.066% of alleles in individuals of Latino descent in gnomAD, which may be too frequent to be a primary cause of disease. Although we suspect that this variant may be benign, at this time, the clinical significance of this variant is uncertain due to the absence of conclusive functional and genetic evidence.

NM_004183.4(BEST1):c.867+130C>T

Gene: BEST1 (bestrophin 1; plus strand). Cytogenetic location: 11q12.3.
Variant type: single nucleotide variant.
Coding change: c.867+130C>T on transcript NM_004183.4 (MANE Select); 130 bases into the intron after coding-DNA position 867, C replaced by T.
Molecular consequence: intron variant. On other transcripts: missense variant (1), 5 prime UTR variant (1), non-coding transcript variant (1).
Genome position (GRCh38, 1-based): chr11:61,958,428, C>T. VCF-style: chr11-61958428-C-T. GRCh37 (hg19) VCF-style: chr11-61725900-C-T.
Other names: c.997C>T, p.Arg333Cys (NM_001363592.2); c.-179C>T (NM_001363593.3); c.867+130C>T (NM_001440571.1, NM_001440572.1); c.714+964C>T (NM_001440573.1); c.687+130C>T (NM_001139443.3, NM_001300787.2, NM_001440574.1 and 1 more transcripts); c.534+964C>T (NM_001440575.1, NM_001440576.1); c.549+130C>T (NM_001363591.3); short protein forms R333C.
Identifiers: ClinVar variation 4981713 (VCV004981713.1).